The following is an entry in ClinVar:

ClinVar aggregate classification (germline): Likely benign. Review status: criteria provided, multiple submitters, no conflicts (2 of 4 stars). 2 submissions from 2 submitters: Likely benign (2). Last evaluated 2025-09-14.

Conditions:
Malignant hyperthermia, susceptibility to, 1 (MHS1). Also called: Malignant hyperthermia suceptibility 1; Anesthesia related hyperthermia; Malignant hyperpyrexia; Fulminating hyperpyrexia; Pharmacogenic myopathy; RYR1-Related Malignant Hyperthermia Susceptibility. Identifiers: Orphanet 423, MedGen C2930980, MONDO:0007783, OMIM 145600.
RYR1-related disorder. Also called: RYR1-related disorders; RYR1-related condition. Identifiers: MedGen CN239331.

Submissions (2):

Labcorp Genetics (formerly Invitae), Labcorp
Classification: Likely benign for RYR1-related disorder. Last evaluated: 2025-09-14. Review status: criteria provided, single submitter. Criteria: Invitae Variant Classification Sherloc (09022015). Collection method: clinical testing. Allele origin: germline.

All of Us Research Program, National Institutes of Health
Classification: Likely benign for Malignant hyperthermia, susceptibility to, 1. Last evaluated: 2023-12-18. Review status: criteria provided, single submitter. Criteria: ACMG Guidelines, 2015. Collection method: clinical testing. Allele origin: germline. Inheritance: Autosomal dominant inheritance. Observed: 1 variant allele, 1 heterozygote.
Comment: This study involves interpretation of variants in research participants for the purpose of population health screening. Participant phenotype was not available at the time of variant classification. Additional details can be found in publication PMID: 35346344, PMCID: PMC8962531

NM_000540.3(RYR1):c.8544C>T (p.Thr2848=)

Genes: RYR1 (ryanodine receptor 1; plus strand), LOC126862902 (BRD4-independent group 4 enhancer GRCh37_chr19:38995830-38997029; plus strand). Cytogenetic location: 19q13.2.
Variant type: single nucleotide variant.
Coding change: c.8544C>T on transcript NM_000540.3 (MANE Select); coding-DNA position 8544, C replaced by T.
Protein change: p.Thr2848=; no amino-acid change (threonine 2848 retained).
Molecular consequence: synonymous variant.
Genome position (GRCh38, 1-based): chr19:38,506,305, C>T. VCF-style: chr19-38506305-C-T. GRCh37 (hg19) VCF-style: chr19-38996945-C-T.
Other names: c.8544C>T, p.Thr2848= (NM_001042723.2).
Identifiers: ClinVar variation 2911991 (VCV002911991.4), dbSNP rs757718303, ClinGen allele CA507245218.